The following is an entry in ClinVar:

NM_014249.4(NR2E3):c.616T>A (p.Ser206Thr)

Gene: NR2E3 (nuclear receptor subfamily 2 group E member 3; plus strand). Cytogenetic location: 15q23.
Variant type: single nucleotide variant.
Coding change: c.616T>A on transcript NM_014249.4 (MANE Select); coding-DNA position 616, T replaced by A.
Protein change: p.Ser206Thr; replaces serine 206 with threonine.
Molecular consequence: missense variant.
Genome position (GRCh38, 1-based): chr15:71,812,380, T>A. VCF-style: chr15-71812380-T-A. GRCh37 (hg19) VCF-style: chr15-72104720-T-A.
Other names: c.616T>A, p.Ser206Thr (NM_016346.4); short protein forms S206T.
Identifiers: ClinVar variation 4736671 (VCV004736671.1).

ClinVar aggregate classification (germline): Uncertain significance (1 of 4 stars; one submission).

Submission:

Labcorp Genetics (formerly Invitae), Labcorp
Classification: Uncertain significance. Last evaluated: 2025-03-05. Review status: criteria provided, single submitter. Criteria: Invitae Variant Classification Sherloc (09022015). Collection method: clinical testing. Allele origin: germline.
Comment: This sequence change replaces serine, which is neutral and polar, with threonine, which is neutral and polar, at codon 206 of the NR2E3 protein (p.Ser206Thr). This variant is not present in population databases (gnomAD no frequency). This variant has not been reported in the literature in individuals affected with NR2E3-related conditions. Invitae Evidence Modeling of protein sequence and biophysical properties (such as structural, functional, and spatial information, amino acid conservation, physicochemical variation, residue mobility, and thermodynamic stability) indicates that this missense variant is not expected to disrupt NR2E3 protein function with a negative predictive value of 80%. In summary, the available evidence is currently insufficient to determine the role of this variant in disease. Therefore, it has been classified as a Variant of Uncertain Significance.